The following is an entry in ClinVar:

NM_000412.5(HRG):c.946C>T (p.Pro316Ser)

Gene: HRG (histidine rich glycoprotein; plus strand). Cytogenetic location: 3q27.3.
Variant type: single nucleotide variant.
Coding change: c.946C>T on transcript NM_000412.5 (MANE Select); coding-DNA position 946, C replaced by T.
Protein change: p.Pro316Ser; replaces proline 316 with serine.
Molecular consequence: missense variant.
Genome position (GRCh38, 1-based): chr3:186,677,251, C>T. VCF-style: chr3-186677251-C-T. GRCh37 (hg19) VCF-style: chr3-186395040-C-T.
Other names: short protein forms P316S.
Identifiers: ClinVar variation 1684326 (VCV001684326.1), dbSNP rs903824710, ClinGen allele CA89675417.

ClinVar aggregate classification (germline): Uncertain significance (0 of 4 stars; one submission).

Conditions:
Hereditary thrombophilia due to congenital histidine-rich (poly-L) glycoprotein deficiency. Also called: Thrombophilia due to HRG deficiency; THROMBOPHILIA DUE TO HISTIDINE-RICH GLYCOPROTEIN DEFICIENCY. Identifiers: Orphanet 217467, MedGen C2751090, MONDO:0013143, OMIM 613116.

Allele frequency attached by ClinVar (database versions not stated): gnomAD 0.00001; gnomAD exomes 0.00001.

Submission:

ISTH-SSC Genomics in Thrombosis and Hemostasis, KU Leuven, Center for Molecular and Vascular Biology
Classification: Uncertain significance for Hereditary thrombophilia due to congenital histidine-rich (poly-L) glycoprotein deficiency. Review status: no assertion criteria provided. Collection method: research. Allele origin: unknown. Affected: yes.
Comment: Submitted to GoldVariant by Dr Karyn Mégy from NIHR Bioresource - Cambridge University, UK